The following is an entry in ClinVar:

ClinVar aggregate classification (germline): Uncertain significance (1 of 4 stars; one submission).

Allele frequency attached by ClinVar (database versions not stated): TOPMed below 0.00001.
gnomAD v4.1: 1 of 1,611,390 alleles (0.000062%); highest among the groups gnomAD compares: Admixed American, 0.0017%; no homozygotes.

Submission:

Labcorp Genetics (formerly Invitae), Labcorp
Classification: Uncertain significance. Last evaluated: 2022-11-28. Review status: criteria provided, single submitter. Criteria: Invitae Variant Classification Sherloc (09022015). Collection method: clinical testing. Allele origin: germline.
Comment: This sequence change replaces isoleucine, which is neutral and non-polar, with phenylalanine, which is neutral and non-polar, at codon 775 of the LRP5 protein (p.Ile775Phe). This variant is not present in population databases (gnomAD no frequency). This variant has not been reported in the literature in individuals affected with LRP5-related conditions. ClinVar contains an entry for this variant (Variation ID: 955724). Advanced modeling of protein sequence and biophysical properties (such as structural, functional, and spatial information, amino acid conservation, physicochemical variation, residue mobility, and thermodynamic stability) performed at Invitae indicates that this missense variant is not expected to disrupt LRP5 protein function. In summary, the available evidence is currently insufficient to determine the role of this variant in disease. Therefore, it has been classified as a Variant of Uncertain Significance.

NM_002335.4(LRP5):c.2323A>T (p.Ile775Phe)

Gene: LRP5 (LDL receptor related protein 5; plus strand). Cytogenetic location: 11q13.2.
Variant type: single nucleotide variant.
Coding change: c.2323A>T on transcript NM_002335.4 (MANE Select); coding-DNA position 2323, A replaced by T.
Protein change: p.Ile775Phe; replaces isoleucine 775 with phenylalanine.
Molecular consequence: missense variant.
Genome position (GRCh38, 1-based): chr11:68,411,440, A>T. VCF-style: chr11-68411440-A-T. GRCh37 (hg19) VCF-style: chr11-68178908-A-T.
Other names: c.580A>T, p.Ile194Phe (NM_001291902.2); short protein forms I775F, I194F.
Identifiers: ClinVar variation 955724 (VCV000955724.9), dbSNP rs1409940030, ClinGen allele CA381616791.
Genomic context (GRCh38, chr11:68,411,440, plus strand): 5'-TGTCCTGCGGTGAGAGCAGACTCACTGAGCCTGCCCTTCTCCCTTGTGCCTTCCAGCTAC[A>T]TCTACTGGACCGAGTGGGGCGGCAAGCCGAGGATCGTGCGGGCCTTCATGGACGGGACCA-3'
Protein context (NP_002326.2, residues 765-785): SLALDPTKGY[Ile775Phe]YWTEWGGKPR